The following is an entry in ClinVar:

ClinVar aggregate classification (germline): Uncertain significance (1 of 4 stars; one submission).

gnomAD v4.1: 1 of 1,209,449 alleles (0.000083%); highest among the groups gnomAD compares: African/African-American, 0.0018%; no homozygotes.

Submission:

GeneDx
Classification: Uncertain significance. Last evaluated: 2023-12-16. Review status: criteria provided, single submitter. Criteria: GeneDx Variant Classification Process June 2021. Collection method: clinical testing. Allele origin: germline. Affected: yes.
Comment: Not observed at significant frequency in large population cohorts (gnomAD); In silico analysis supports that this missense variant has a deleterious effect on protein structure/function; Has not been previously published as pathogenic or benign to our knowledge

NM_000052.7(ATP7A):c.2123G>C (p.Gly708Ala)

Gene: ATP7A (ATPase copper transporting alpha; plus strand). Cytogenetic location: Xq21.1.
Variant type: single nucleotide variant.
Coding change: c.2123G>C on transcript NM_000052.7 (MANE Select); coding-DNA position 2123, G replaced by C.
Protein change: p.Gly708Ala; replaces glycine 708 with alanine.
Molecular consequence: missense variant.
Genome position (GRCh38, 1-based): chrX:78,011,625, G>C. VCF-style: chrX-78011625-G-C. GRCh37 (hg19) VCF-style: chrX-77267122-G-C.
Other names: c.2123G>C, p.Gly708Ala (NM_001282224.2); short protein forms G708A.
Identifiers: ClinVar variation 3365478 (VCV003365478.1).